The following is an entry in ClinVar:

ClinVar aggregate classification (germline): Uncertain significance (1 of 4 stars; one submission).

Conditions:
Intellectual developmental disorder, autosomal recessive 52. Also called: Intellectual disability, autosomal recessive 52. Identifiers: Orphanet 88616, MedGen C4225168, MONDO:0014815, OMIM 616887.

Submission:

3billion
Classification: Uncertain significance for Intellectual developmental disorder, autosomal recessive 52. Last evaluated: 2024-06-18. Review status: criteria provided, single submitter. Criteria: ACMG Guidelines, 2015. Collection method: clinical testing. Allele origin: germline. Affected: yes.
Comment: The variant is not observed in the gnomAD v4.0.0 dataset. Predicted Consequence/Location: Canonical splice site variant In silico tools predict the variant to alter splicing and produce an abnormal transcript [SpliceAI: 0.98 (spliceogenicity >=0.2, non-spliceogenicity <0.1)]. Therefore, this variant is classified as VUS according to the recommendation of ACMG/AMP guideline.

NM_030805.4(LMAN2L):c.187+1G>T

Gene: LMAN2L (lectin, mannose binding 2 like; minus strand). Cytogenetic location: 2q11.2.
Variant type: single nucleotide variant.
Coding change: c.187+1G>T on transcript NM_030805.4 (MANE Select); the canonical splice donor site of the intron after coding-DNA position 187, G replaced by T.
Molecular consequence: splice donor variant. On other transcripts: 5 prime UTR variant (1).
Genome position (GRCh38, 1-based): chr2:96,739,853, C>A on the plus strand (G>T on the coding strand, the complement: LMAN2L is on the minus strand). VCF-style: chr2-96739853-C-A. GRCh37 (hg19) VCF-style: chr2-97405590-C-A.
Other names: c.-179G>T (NM_001322354.2); c.-47+1G>T (NM_001322351.2); c.-109+1G>T (NM_001322350.2, NM_001322347.2); c.-166+1G>T (NM_001322356.2, NM_001322346.2); c.187+1G>T (NM_001142292.2); c.-247+1G>T (NM_001322355.2); c.-309+1G>T (NM_001322352.2).
Identifiers: ClinVar variation 4291879 (VCV004291879.1).
Genomic context (GRCh38, chr2:96,739,853, plus strand): 5'-CCCTGAAATCAAGTCCCGAAGCCCGCCCCACTGCACGACCACCTCACCCTGGGCGCCTCA[C>A]CCTGGTAGGGCTTCGACAGCGAGTGCTCCCGTTTCAAGTACTCGAACGTTTGACCCGCCC-3'